The following is an entry in ClinVar:

NM_001130438.3(SPTAN1):c.2588C>G (p.Ala863Gly)

Gene: SPTAN1 (spectrin alpha, non-erythrocytic 1; plus strand). Cytogenetic location: 9q34.11.
Variant type: single nucleotide variant.
Coding change: c.2588C>G on transcript NM_001130438.3 (MANE Select); coding-DNA position 2588, C replaced by G.
Protein change: p.Ala863Gly; replaces alanine 863 with glycine.
Molecular consequence: missense variant.
Genome position (GRCh38, 1-based): chr9:128,585,775, C>G. VCF-style: chr9-128585775-C-G. GRCh37 (hg19) VCF-style: chr9-131348054-C-G.
Other names: p.A863G:GCC>GGC; c.2588C>G, p.Ala863Gly (NM_001195532.2, NM_001363759.2, NM_001363765.2 and 1 more transcripts); short protein forms A863G.
Identifiers: ClinVar variation 207328 (VCV000207328.2), dbSNP rs775545003, ClinGen allele CA318688.
Genomic context (GRCh38, chr9:128,585,775, plus strand): 5'-TTTTGTTATCCTCTTTCCCTACCCATCTTCCAGGCCATTTTGCTGCAGAGGATGTGAAGG[C>G]CAAGCTTCACGAGCTGAACCAAAAGTGGGAGGCACTGAAAGCCAAAGCTTCCCAGCGTCG-3'
Protein context (NP_001123910.1, residues 853-873): EGHFAAEDVK[Ala863Gly]KLHELNQKWE

ClinVar aggregate classification (germline): Uncertain significance (1 of 4 stars; one submission).

Allele frequency attached by ClinVar (database versions not stated): gnomAD exomes 0.00001; ExAC 0.00001.
gnomAD v4.1: 16 of 1,614,162 alleles (0.00099%); highest among the groups gnomAD compares: Non-Finnish European, 0.0014%; no homozygotes.

Submission:

GeneDx
Classification: Uncertain significance. Last evaluated: 2015-04-02. Review status: criteria provided, single submitter. Criteria: GeneDx Variant Classification (06012015). Collection method: clinical testing. Allele origin: germline. Affected: yes.
Comment: p.Ala863Gly (GCC>GGC): c.2588 C>G in exon 19 of the SPTAN1 gene (NM_001130438.2) The Ala863Gly missense change has not been published as a mutation, nor has it been reported as a benign polymorphism to our knowledge. It was not observed in approximately 6,500 individuals of European and African American ancestry in the NHLBI Exome Sequencing Project, indicating it is not a common benign variant in these populations. This variant is a conservative substitution of one uncharged, non-polar amino acid residue for another at a position that is conserved in mammals. Previously reported pathogenic mutations in SPTAN1 include in-frame deletions or duplications located within the last four spectrin repeats of the protein, which are essential for dimerization (Saitsu et al., 2010), and the Ala863 residue is outside this region. In addition, in silico analysis is inconsistent with regard to the effect this variant may have on the protein structure/function. Therefore, based on the currently available information, it is unclear whether Ala863Gly is a disease-causing mutation or a rare benign variant. The variant is found in EPILEPSY panel(s).